The following is an entry in ClinVar:

ClinVar aggregate classification (germline): Uncertain significance (1 of 4 stars; one submission).

Submission:

CeGaT Center for Human Genetics Tuebingen
Classification: Uncertain significance. Last evaluated: 2025-09-01. Review status: criteria provided, single submitter. Criteria: CeGaT Center For Human Genetics Tuebingen Variant Classification Criteria Version 2. Collection method: clinical testing. Allele origin: germline. Affected: yes. Observed: 1 variant allele.
Comment: SON: PM2:Supporting, BP4

NM_138927.4(SON):c.7035T>C (p.Gly2345=)

Gene: SON (SON DNA and RNA binding protein; plus strand). Cytogenetic location: 21q22.11.
Variant type: single nucleotide variant.
Coding change: c.7035T>C on transcript NM_138927.4 (MANE Select); coding-DNA position 7035, T replaced by C.
Protein change: p.Gly2345=; no amino-acid change (glycine 2345 retained).
Molecular consequence: synonymous variant. On other transcripts: non-coding transcript variant (1).
Genome position (GRCh38, 1-based): chr21:33,575,597, T>C. VCF-style: chr21-33575597-T-C. GRCh37 (hg19) VCF-style: chr21-34947903-T-C.
Other names: c.1119T>C, p.Gly373= (NM_001291412.3).
Identifiers: ClinVar variation 4085954 (VCV004085954.8).